The following is an entry in ClinVar:

NM_032802.4(SPPL2A):c.233T>C (p.Ile78Thr)

Gene: SPPL2A (signal peptide peptidase like 2A; minus strand). Cytogenetic location: 15q21.2.
Variant type: single nucleotide variant.
Coding change: c.233T>C on transcript NM_032802.4 (MANE Select); coding-DNA position 233, T replaced by C.
Protein change: p.Ile78Thr; replaces isoleucine 78 with threonine.
Molecular consequence: missense variant.
Genome position (GRCh38, 1-based): chr15:50,748,815, A>G on the plus strand (T>C on the coding strand, the complement: SPPL2A is on the minus strand). VCF-style: chr15-50748815-A-G. GRCh37 (hg19) VCF-style: chr15-51041012-A-G.
Other names: short protein forms I78T.
Identifiers: ClinVar variation 2874431 (VCV002874431.3), dbSNP rs2062881180, ClinGen allele CA392414962.

ClinVar aggregate classification (germline): Uncertain significance (1 of 4 stars; one submission).

gnomAD v4.1: 5 of 1,611,636 alleles (0.00031%); highest among the groups gnomAD compares: Non-Finnish European, 0.00034%; no homozygotes.

Submission:

Labcorp Genetics (formerly Invitae), Labcorp
Classification: Uncertain significance. Last evaluated: 2025-08-04. Review status: criteria provided, single submitter. Criteria: Invitae Variant Classification Sherloc (09022015). Collection method: clinical testing. Allele origin: germline.
Comment: This sequence change replaces isoleucine, which is neutral and non-polar, with threonine, which is neutral and polar, at codon 78 of the SPPL2A protein (p.Ile78Thr). This variant is not present in population databases (gnomAD no frequency). This variant has not been reported in the literature in individuals affected with SPPL2A-related conditions. ClinVar contains an entry for this variant (Variation ID: 2874431). An algorithm developed to predict the effect of missense changes on protein structure and function (PolyPhen-2) suggests that this variant is likely to be disruptive. In summary, the available evidence is currently insufficient to determine the role of this variant in disease. Therefore, it has been classified as a Variant of Uncertain Significance.